The following is an entry in ClinVar:

NM_033118.4(MYLK2):c.1514C>G (p.Thr505Ser)

Gene: MYLK2 (myosin light chain kinase 2; plus strand). Cytogenetic location: 20q11.21.
Variant type: single nucleotide variant.
Coding change: c.1514C>G on transcript NM_033118.4 (MANE Select); coding-DNA position 1514, C replaced by G.
Protein change: p.Thr505Ser; replaces threonine 505 with serine.
Molecular consequence: missense variant.
Genome position (GRCh38, 1-based): chr20:31,831,792, C>G. VCF-style: chr20-31831792-C-G. GRCh37 (hg19) VCF-style: chr20-30419595-C-G.
Other names: short protein forms T505S.
Identifiers: ClinVar variation 1517512 (VCV001517512.8), dbSNP rs144359857, ClinGen allele CA9803245.

ClinVar aggregate classification (germline): Uncertain significance (1 of 4 stars; one submission).

Conditions:
Hypertrophic cardiomyopathy 1 (CMH1). Also called: Familial hypertrophic cardiomyopathy 1; MYH7-Related Familial Hypertrophic Cardiomyopathy. Identifiers: MedGen C3495498, MONDO:0008647, OMIM 192600.

gnomAD v4.1: 6 of 1,614,144 alleles (0.00037%); highest among the groups gnomAD compares: Admixed American, 0.0017%; no homozygotes.

Submission:

Labcorp Genetics (formerly Invitae), Labcorp
Classification: Uncertain significance for Hypertrophic cardiomyopathy 1. Last evaluated: 2021-01-12. Review status: criteria provided, single submitter. Criteria: Invitae Variant Classification Sherloc (09022015). Collection method: clinical testing. Allele origin: germline.
Comment: This sequence change replaces threonine with serine at codon 505 of the MYLK2 protein (p.Thr505Ser). The threonine residue is moderately conserved and there is a small physicochemical difference between threonine and serine. This variant is present in population databases (rs144359857, ExAC 0.009%). This variant has not been reported in the literature in individuals with MYLK2-related conditions. Algorithms developed to predict the effect of missense changes on protein structure and function are either unavailable or do not agree on the potential impact of this missense change (SIFT: "Tolerated"; PolyPhen-2: "Probably Damaging"; Align-GVGD: "Class C0"). In summary, the available evidence is currently insufficient to determine the role of this variant in disease. Therefore, it has been classified as a Variant of Uncertain Significance.